The following is an entry in ClinVar:

NM_018389.5(SLC35C1):c.751G>A (p.Glu251Lys)

Gene: SLC35C1 (solute carrier family 35 member C1; plus strand). Cytogenetic location: 11p11.2.
Variant type: single nucleotide variant.
Coding change: c.751G>A on transcript NM_018389.5 (MANE Select); coding-DNA position 751, G replaced by A.
Protein change: p.Glu251Lys; replaces glutamic acid 251 with lysine.
Molecular consequence: missense variant.
Genome position (GRCh38, 1-based): chr11:45,810,991, G>A. VCF-style: chr11-45810991-G-A. GRCh37 (hg19) VCF-style: chr11-45832542-G-A.
Other names: c.712G>A, p.Glu238Lys (NM_001145265.2, NM_001145266.2); short protein forms E238K, E251K.
Identifiers: ClinVar variation 1998585 (VCV001998585.4), dbSNP rs1449673869, ClinGen allele CA380205975.

ClinVar aggregate classification (germline): Uncertain significance (1 of 4 stars; one submission).

Conditions:
Leukocyte adhesion deficiency type II. Also called: CDG IIc; CONGENITAL DISORDER OF GLYCOSYLATION, TYPE IIc; Congenital disorder of glycosylation type 2C; CDG 2C; Leukocyte adhesion deficiency type 2; Rambam Hasharon syndrome. Identifiers: Orphanet 2968, Orphanet 99843, MedGen C0398739, MONDO:0009953, OMIM 266265.

Allele frequency attached by ClinVar (database versions not stated): gnomAD exomes below 0.00001.

Submission:

Labcorp Genetics (formerly Invitae), Labcorp
Classification: Uncertain significance for Leukocyte adhesion deficiency type II. Last evaluated: 2022-05-25. Review status: criteria provided, single submitter. Criteria: Invitae Variant Classification Sherloc (09022015). Collection method: clinical testing. Allele origin: germline.
Comment: This variant is not present in population databases (gnomAD no frequency). In summary, the available evidence is currently insufficient to determine the role of this variant in disease. Therefore, it has been classified as a Variant of Uncertain Significance. Algorithms developed to predict the effect of missense changes on protein structure and function are either unavailable or do not agree on the potential impact of this missense change (SIFT: "Deleterious"; PolyPhen-2: "Possibly Damaging"; Align-GVGD: "Class C15"). This variant has not been reported in the literature in individuals affected with SLC35C1-related conditions. This sequence change replaces glutamic acid, which is acidic and polar, with lysine, which is basic and polar, at codon 251 of the SLC35C1 protein (p.Glu251Lys).